The following is an entry in ClinVar:

NM_020461.4(TUBGCP6):c.4648G>T (p.Gly1550Ter)

Gene: TUBGCP6 (tubulin gamma complex component 6; minus strand). Cytogenetic location: 22q13.33.
Variant type: single nucleotide variant.
Coding change: c.4648G>T on transcript NM_020461.4 (MANE Select); coding-DNA position 4648, G replaced by T.
Protein change: p.Gly1550Ter; replaces glycine 1550 with a stop codon.
Molecular consequence: nonsense.
Genome position (GRCh38, 1-based): chr22:50,218,876, C>A on the plus strand (G>T on the coding strand, the complement: TUBGCP6 is on the minus strand). VCF-style: chr22-50218876-C-A. GRCh37 (hg19) VCF-style: chr22-50657305-C-A.
Other names: short protein forms G1550*.
Identifiers: ClinVar variation 971858 (VCV000971858.7), dbSNP rs753188505, ClinGen allele CA412169214.

ClinVar aggregate classification (germline): Pathogenic (1 of 4 stars; one submission).

gnomAD v4.1: 1 of 1,612,366 alleles (0.000062%); highest among the groups gnomAD compares: South Asian, 0.0011%; no homozygotes.

Submission:

Labcorp Genetics (formerly Invitae), Labcorp
Classification: Pathogenic. Last evaluated: 2022-07-12. Review status: criteria provided, single submitter. Criteria: Invitae Variant Classification Sherloc (09022015). Collection method: clinical testing. Allele origin: germline.
Comment: This sequence change creates a premature translational stop signal (p.Gly1550*) in the TUBGCP6 gene. It is expected to result in an absent or disrupted protein product. Loss-of-function variants in TUBGCP6 are known to be pathogenic (PMID: 25344692). This variant is not present in population databases (gnomAD no frequency). For these reasons, this variant has been classified as Pathogenic. ClinVar contains an entry for this variant (Variation ID: 971858). This variant has not been reported in the literature in individuals affected with TUBGCP6-related conditions.

Literature cited by the submitters: PubMed 25344692.